The following is an entry in ClinVar:

ClinVar aggregate classification (germline): Uncertain significance. Review status: criteria provided, multiple submitters, no conflicts (2 of 4 stars). 2 submissions from 2 submitters: Uncertain significance (2). Last evaluated 2025-09-05.

Allele frequency attached by ClinVar (database versions not stated): TOPMed below 0.00001; gnomAD exomes 0.00001.
gnomAD v4.1: 8 of 1,607,584 alleles (0.0005%); highest among the groups gnomAD compares: Non-Finnish European, 0.00068%; no homozygotes.

Submissions (2):

Ambry Genetics
Classification: Uncertain significance. Last evaluated: 2025-09-05. Review status: criteria provided, single submitter. Criteria: Ambry Variant Classification Scheme 2023. Collection method: clinical testing. Allele origin: germline.

Labcorp Genetics (formerly Invitae), Labcorp
Classification: Uncertain significance. Last evaluated: 2024-05-23. Review status: criteria provided, single submitter. Criteria: Invitae Variant Classification Sherloc (09022015). Collection method: clinical testing. Allele origin: germline.
Comment: This sequence change replaces serine, which is neutral and polar, with glycine, which is neutral and non-polar, at codon 573 of the NPAT protein (p.Ser573Gly). This variant is present in population databases (no rsID available, gnomAD 0.002%). This variant has not been reported in the literature in individuals affected with NPAT-related conditions. ClinVar contains an entry for this variant (Variation ID: 1778649). Algorithms developed to predict the effect of missense changes on protein structure and function output the following: SIFT: "Not Available"; PolyPhen-2: "Benign"; Align-GVGD: "Not Available". The glycine amino acid residue is found in multiple mammalian species, which suggests that this missense change does not adversely affect protein function. In summary, the available evidence is currently insufficient to determine the role of this variant in disease. Therefore, it has been classified as a Variant of Uncertain Significance.

NM_002519.3(NPAT):c.1717A>G (p.Ser573Gly)

Gene: NPAT (nuclear protein, coactivator of histone transcription; minus strand). Cytogenetic location: 11q22.3.
Variant type: single nucleotide variant.
Coding change: c.1717A>G on transcript NM_002519.3 (MANE Select); coding-DNA position 1717, A replaced by G.
Protein change: p.Ser573Gly; replaces serine 573 with glycine.
Molecular consequence: missense variant.
Genome position (GRCh38, 1-based): chr11:108,173,267, T>C on the plus strand (A>G on the coding strand, the complement: NPAT is on the minus strand). VCF-style: chr11-108173267-T-C. GRCh37 (hg19) VCF-style: chr11-108043994-T-C.
Other names: c.1717A>G, p.Ser573Gly (NM_001321307.1); short protein forms S573G.
Identifiers: ClinVar variation 1778649 (VCV001778649.5), dbSNP rs1411940665, ClinGen allele CA382514519.